The following is an entry in ClinVar:

NM_001369.3(DNAH5):c.226_236del (p.Gly76fs)

Gene: DNAH5 (dynein axonemal heavy chain 5; minus strand). Cytogenetic location: 5p15.2.
Variant type: Deletion.
Coding change: c.226_236del on transcript NM_001369.3 (MANE Select); coding-DNA positions 226 to 236, 11 bases deleted (GGTCTCCGACA).
Protein change: p.Gly76fs; shifts the reading frame from glycine 76.
Molecular consequence: frameshift variant.
Genome position (GRCh38, 1-based): chr5:13,928,135-13,928,145, TGTCGGAGACC deleted on the plus strand (GGTCTCCGACA on the coding strand, the reverse complement: DNAH5 is on the minus strand); deleting any 11 consecutive bases within chr5:13,928,135-13,928,146 gives the same sequence; the c. name uses the placement nearest the transcript's 3' end. VCF-style (leftmost placement, unchanged base first): chr5-13928134-GTGTCGGAGACC-G. GRCh37 (hg19) VCF-style: chr5-13928243-GTGTCGGAGACC-G.
Other names: short protein forms G76fs.
Identifiers: ClinVar variation 5012388 (VCV005012388.1).

ClinVar aggregate classification (germline): Pathogenic (1 of 4 stars; one submission).

Conditions:
Primary ciliary dyskinesia 3. Identifiers: Orphanet 244, MedGen C1837618, MONDO:0012085, OMIM 608644.

Submission:

Myriad Genetics, Inc.
Classification: Pathogenic for Primary ciliary dyskinesia 3. Last evaluated: 2023-10-13. Review status: criteria provided, single submitter. Criteria: Myriad Autosomal Dominant, Autosomal Recessive and X-Linked Classification Criteria (2023). Collection method: clinical testing. Allele origin: unknown.
Comment: NM_001369.2(DNAH5):c.226_236del11(G76Pfs*30) is expected to be pathogenic in the context of primary ciliary dyskinesia, DNAH5-related. This variant is predicted to lead to an abnormal or absent protein product due to the creation of a premature termination codon in DNAH5, a gene where loss-of-function variants are known to be pathogenic. Please note: this variant was assessed in the context of healthy population screening.